The following is an entry in ClinVar:

NM_004415.4(DSP):c.1420-1G>A

Gene: DSP (desmoplakin; plus strand). Cytogenetic location: 6p24.3.
Variant type: single nucleotide variant.
Coding change: c.1420-1G>A on transcript NM_004415.4 (MANE Select); the canonical splice acceptor site of the intron before coding-DNA position 1420, G replaced by A.
Molecular consequence: splice acceptor variant.
Genome position (GRCh38, 1-based): chr6:7,569,185, G>A. VCF-style: chr6-7569185-G-A. GRCh37 (hg19) VCF-style: chr6-7569418-G-A.
Other names: c.1420-1G>A (NM_001319034.2, NM_001008844.3).
Identifiers: ClinVar variation 3753354 (VCV003753354.3).

ClinVar aggregate classification (germline): Likely pathogenic (1 of 4 stars; one submission).

Conditions:
Arrhythmogenic cardiomyopathy with wooly hair and keratoderma. Also called: Dilated cardiomyopathy with woolly hair and keratoderma; PALMOPLANTAR KERATODERMA WITH LEFT VENTRICULAR CARDIOMYOPATHY AND WOOLLY HAIR; Carvajal syndrome; Arrhythmogenic cardiomyopathy with woolly hair and keratoderma. Identifiers: Orphanet 65282, MedGen C1854063, MONDO:0011581, OMIM 605676.
Arrhythmogenic right ventricular dysplasia 8 (ARVD8). Also called: Arrhythmogenic Right Ventricular Dysplasia/Cardiomyopathy 8; ARRHYTHMOGENIC RIGHT VENTRICULAR DYSPLASIA, FAMILIAL, 8; ARRHYTHMOGENIC RIGHT VENTRICULAR CARDIOMYOPATHY 8. Identifiers: MedGen C1843896, MONDO:0011831, OMIM 607450.

Submissions (2):

Labcorp Genetics (formerly Invitae), Labcorp
Classification: Likely pathogenic for Arrhythmogenic cardiomyopathy with wooly hair and keratoderma; Arrhythmogenic right ventricular dysplasia 8. Last evaluated: 2024-02-16. Review status: criteria provided, single submitter. Criteria: Invitae Variant Classification Sherloc (09022015). Collection method: clinical testing. Allele origin: germline.
Comment: This sequence change affects an acceptor splice site in intron 11 of the DSP gene. It is expected to disrupt RNA splicing. Variants that disrupt the donor or acceptor splice site typically lead to a loss of protein function (PMID: 16199547), and loss-of-function variants in DSP are known to be pathogenic (PMID: 20716751, 24503780, 25227139). This variant is not present in population databases (gnomAD no frequency). Disruption of this splice site has been observed in individual(s) with autosomal dominant arrhythmogenic right ventricular cardiomyopathy (ARVC) (PMID: 33460606). Algorithms developed to predict the effect of sequence changes on RNA splicing suggest that this variant may disrupt the consensus splice site. In summary, the currently available evidence indicates that the variant is pathogenic, but additional data are needed to prove that conclusively. Therefore, this variant has been classified as Likely Pathogenic.

Dr. Peter K. Rogan Lab, Western University
No classification provided (evidence only). Condition: Melanoma. Review status: no classification provided. Collection method: in vitro. Allele origin: not applicable. Functional consequence: retained intron. Not counted in ClinVar's aggregate classification.

Literature cited by the submitters: PubMed 16199547 (cited by Labcorp Genetics (formerly Invitae), Labcorp); PubMed 20716751 (cited by Labcorp Genetics (formerly Invitae), Labcorp); PubMed 24503780 (cited by Labcorp Genetics (formerly Invitae), Labcorp); PubMed 25227139 (cited by Labcorp Genetics (formerly Invitae), Labcorp); PubMed 33460606 (cited by Labcorp Genetics (formerly Invitae), Labcorp).